The following is an entry in ClinVar:

NM_024675.4(PALB2):c.2099C>A (p.Ser700Ter)

Gene: PALB2 (partner and localizer of BRCA2; minus strand). Cytogenetic location: 16p12.2.
Variant type: single nucleotide variant.
Coding change: c.2099C>A on transcript NM_024675.4 (MANE Select); coding-DNA position 2099, C replaced by A.
Protein change: p.Ser700Ter; replaces serine 700 with a stop codon.
Molecular consequence: nonsense. On other transcripts: intron variant (1).
Genome position (GRCh38, 1-based): chr16:23,630,055, G>T on the plus strand (C>A on the coding strand, the complement: PALB2 is on the minus strand). VCF-style: chr16-23630055-G-T. GRCh37 (hg19) VCF-style: chr16-23641376-G-T.
Other names: c.2039C>A, p.Ser680Ter (NM_001407296.1); c.2099C>A, p.Ser700Ter (NM_001407297.1, NM_001407298.1, NM_001407299.1 and 3 more transcripts); c.1214C>A, p.Ser405Ter (NM_001407304.1, NM_001407305.1, NM_001407306.1 and 5 more transcripts); c.311C>A, p.Ser104Ter (NM_001407312.1, NM_001407313.1); c.49-780C>A (NM_001407314.1); short protein forms S104*, S405*, S680*, S700*.
Identifiers: ClinVar variation 4690227 (VCV004690227.1).

ClinVar aggregate classification (germline): Likely pathogenic (1 of 4 stars; one submission).

Conditions:
Breast-ovarian cancer, familial, susceptibility to, 5 (BROVCA5). Identifiers: MedGen C5830615, MONDO:0957530, OMIM 620442.

Submission:

EVOGEN
Classification: Likely pathogenic for Breast-ovarian cancer, familial, susceptibility to, 5. Last evaluated: 2025-05-27. Review status: criteria provided, single submitter. Criteria: ACMG Guidelines, 2015. Collection method: clinical testing. Allele origin: germline. Affected: yes.
Comment: PVS1: Null variant (nonsense) in gene PALB2, predicted to cause NMD. Loss-of-function is a known mechanism of disease (gene has 1 382 reported pathogenic LOF variants). The exon contains 290 pathogenic variants. The truncated region contains 606 pathogenic variants. PM2: Variant not found in gnomAD genomes, good gnomAD genomes coverage = 30.9. Variant not found in gnomAD exomes, good gnomAD exomes coverage = 44.1. Moscow City Health Department financial support